The following is an entry in ClinVar:

NM_000110.4(DPYD):c.851G>T (p.Gly284Val)

Gene: DPYD (dihydropyrimidine dehydrogenase; minus strand). Cytogenetic location: 1p21.3.
Variant type: single nucleotide variant.
Coding change: c.851G>T on transcript NM_000110.4 (MANE Select); coding-DNA position 851, G replaced by T.
Protein change: p.Gly284Val; replaces glycine 284 with valine.
Molecular consequence: missense variant.
Genome position (GRCh38, 1-based): chr1:97,595,166, C>A on the plus strand (G>T on the coding strand, the complement: DPYD is on the minus strand). VCF-style: chr1-97595166-C-A. GRCh37 (hg19) VCF-style: chr1-98060722-C-A.
Other names: short protein forms G284V.
Identifiers: ClinVar variation 3902445 (VCV003902445.2).

ClinVar aggregate classification (germline): Uncertain significance. Review status: criteria provided, multiple submitters, no conflicts (2 of 4 stars). 2 submissions from 2 submitters: Uncertain significance (2). Last evaluated 2025-12-10.

Conditions:
Dihydropyrimidine dehydrogenase deficiency (DPYDD). Also called: DPD DEFICIENCY; DPYD DEFICIENCY; Hereditary Thymine-Uraciluria. Identifiers: Orphanet 1675, MedGen C1959620, MONDO:0010130, OMIM 274270.

gnomAD v4.1: 13 of 1,612,270 alleles (0.00081%); highest among the groups gnomAD compares: Admixed American, 0.0017%; no homozygotes.

Submissions (2):

Myriad Genetics, Inc.
Classification: Uncertain significance for Dihydropyrimidine dehydrogenase deficiency. Last evaluated: 2025-12-10. Review status: criteria provided, single submitter. Criteria: Myriad Autosomal Dominant, Autosomal Recessive and X-Linked Classification Criteria (2023). Collection method: clinical testing. Allele origin: unknown.
Comment: NM_000110.3(DPYD):c.851G>T(G284V) is a missense variant classified as a variant of uncertain significance in the context of dihydropyrimidine dehydrogenase deficiency. G284V has been observed in a case with relevant disease (PMID: 28024938). Relevant functional assessments of this variant are available in the literature (PMID: 28024938). G284V has been observed in referenced population frequency databases. In summary, there is insufficient evidence to classify NM_000110.3(DPYD):c.851G>T(G284V) as pathogenic or benign. Please note: this variant was assessed in the context of healthy population screening.

Women's Health and Genetics/Laboratory Corporation of America, LabCorp
Classification: Uncertain significance. Last evaluated: 2025-05-07. Review status: criteria provided, single submitter. Criteria: LabCorp Variant Classification Summary - May 2015. Collection method: clinical testing. Allele origin: germline.
Comment: Variant summary: DPYD c.851G>T (p.Gly284Val) results in a non-conservative amino acid change in the encoded protein sequence. Algorithms developed to predict the effect of missense changes on protein structure and function all suggest that this variant is likely to be disruptive. Several computational tools predict a significant impact on normal splicing: One predict the variant no significant impact on splicing. One predict the variant weakens a 3' acceptor site. One predict the variant abolishes a 3' acceptor site. However, these predictions have yet to be confirmed by functional studies. The variant allele was found at a frequency of 4e-06 in 250900 control chromosomes. The available data on variant occurrences in the general population are insufficient to allow any conclusion about variant significance. c.851G>T has been observed in individual(s) affected with Dihydropyrimidine Dehydrogenase Deficiency (vanKuilenburg_2017). These report(s) do not provide unequivocal conclusions about association of the variant with Dihydropyrimidine Dehydrogenase Deficiency. To our knowledge, no experimental evidence demonstrating an impact on protein function has been reported. The following publication have been ascertained in the context of this evaluation (PMID: 28024938). No submitters have cited clinical-significance assessments for this variant to ClinVar. Based on the evidence outlined above, the variant was classified as uncertain significance.

Literature cited by the submitters: PubMed 28024938 (cited by Myriad Genetics, Inc. and Women's Health and Genetics/Laboratory Corporation of America, LabCorp).